The following is an entry in ClinVar:

NM_000535.7(PMS2):c.475G>A (p.Val159Met)

Gene: PMS2 (PMS1 homolog 2, mismatch repair system component; minus strand). Cytogenetic location: 7p22.1.
Variant type: single nucleotide variant.
Coding change: c.475G>A on transcript NM_000535.7 (MANE Select); coding-DNA position 475, G replaced by A.
Protein change: p.Val159Met; replaces valine 159 with methionine.
Molecular consequence: missense variant. On other transcripts: 5 prime UTR variant (2), non-coding transcript variant (1).
Genome position (GRCh38, 1-based): chr7:6,002,515, C>T on the plus strand (G>A on the coding strand, the complement: PMS2 is on the minus strand). VCF-style: chr7-6002515-C-T. GRCh37 (hg19) VCF-style: chr7-6042146-C-T.
Other names: p.V159M:GTG>ATG; c.70G>A, p.Val24Met (NM_001322003.2, NM_001322004.2, NM_001322005.2 and 3 more transcripts); c.475G>A, p.Val159Met (NM_001322006.2, NM_001322014.2); c.157G>A, p.Val53Met (NM_001322007.2, NM_001322008.2); c.-410G>A (NM_001322011.2, NM_001322012.2); c.166G>A, p.Val56Met (NM_001322015.2); short protein forms V159M, V24M, V53M, V56M.
Identifiers: ClinVar variation 127791 (VCV000127791.72), dbSNP rs142416537, ClinGen allele CA012132.

ClinVar aggregate classification (germline): Conflicting classifications of pathogenicity. Review status: criteria provided, conflicting classifications (1 of 4 stars). 21 submissions from 20 submitters: Uncertain significance (13); Likely benign (7). 1 of the submissions does not count toward it. Last evaluated 2026-07-21.

Conditions:
PMS2-related disorder. Also called: PMS2-related condition.
Mismatch repair cancer syndrome 4. Identifiers: MedGen C5436817, MONDO:0030843, OMIM 619101.
Lynch syndrome 4 (LYNCH4). Also called: Colorectal cancer, hereditary nonpolyposis, type 4; Hereditary non-polyposis colorectal cancer, type 4. Identifiers: Orphanet 144, MedGen C1838333, MONDO:0013699, OMIM 614337. Disease mechanism: loss of function.
Hereditary nonpolyposis colorectal neoplasms. Identifiers: MedGen C0009405, MeSH D003123.
Hereditary cancer. Identifiers: MedGen C1333600.
Hereditary cancer-predisposing syndrome. Also called: Tumor predisposition; Hereditary neoplastic syndrome; Neoplastic Syndromes, Hereditary; Hereditary Cancer Syndrome. Identifiers: Orphanet 140162, MedGen C0027672, MeSH D009386, MONDO:0015356.
Mismatch repair cancer syndrome 1 (MMRCS1). Also called: MISMATCH REPAIR DEFICIENCY; MMR DEFICIENCY; BRAIN TUMOR-POLYPOSIS SYNDROME 1; BTP1 SYNDROME; CHILDHOOD CANCER SYNDROME. Identifiers: Orphanet 252202, MedGen C5399763, MONDO:0010159, OMIM 276300. Disease mechanism: loss of function.
Lynch syndrome. Identifiers: Orphanet 144, MedGen C4552100, MONDO:0005835. Disease mechanism: loss of function.
Carcinoma of colon (CRC). Also called: Colon carcinoma; Colonic carcinoma. Identifiers: MedGen C0699790, MONDO:0002032.

Allele frequency attached by ClinVar (database versions not stated): gnomAD 0.00004 and 0.00006; ExAC 0.00008; ESP Exome Variant Server 0.00008; TOPMed 0.00014.
gnomAD v4.1: 107 of 1,611,592 alleles (0.0066%); highest among the groups gnomAD compares: Middle Eastern, 0.045%; no homozygotes.

Submissions 1 to 11 of 21:

PreventionGenetics, part of Exact Sciences
Classification: Likely benign for PMS2-related condition. Last evaluated: 2026-07-21. Review status: criteria provided, single submitter. Criteria: ACMG Guidelines, 2015. Collection method: clinical testing. Allele origin: germline.
Comment: This variant is classified as likely benign based on ACMG/AMP sequence variant interpretation guidelines (Richards et al. 2015 PMID: 25741868, with internal and published modifications).

Praxis Für Humangenetik, Biosciencia MVZ Labor Saar
Classification: Likely benign for Hereditary cancer-predisposing syndrome. Last evaluated: 2026-02-25. Review status: criteria provided, single submitter. Criteria: ACMG Guidelines, 2015. Collection method: clinical testing. Allele origin: germline. Affected: yes.
Comment: PM2, BP1, BP4, BP6

Labcorp Genetics (formerly Invitae), Labcorp
Classification: Likely benign for Hereditary nonpolyposis colorectal neoplasms. Last evaluated: 2026-01-26. Review status: criteria provided, single submitter. Criteria: Invitae Variant Classification Sherloc (09022015). Collection method: clinical testing. Allele origin: germline.

Women's Health and Genetics/Laboratory Corporation of America, LabCorp
Classification: Likely benign. Last evaluated: 2025-10-14. Review status: criteria provided, single submitter. Criteria: LabCorp Variant Classification Summary - May 2015. Collection method: clinical testing. Allele origin: germline.
Comment: Variant summary: PMS2 c.475G>A (p.Val159Met) results in a conservative amino acid change located in the Histidine kinase/HSP90-like ATPase (IPR003594) of the encoded protein sequence. Algorithms developed to predict the effect of missense changes on protein structure and function are either unavailable or do not agree on the potential impact of this missense change. The variant allele was found at a frequency of 6.4e-05 in 250682 control chromosomes, predominantly at a frequency of 0.00013 within the Non-Finnish European subpopulation in the gnomAD database. The observed variant frequency within Non-Finnish European control individuals in the gnomAD database exceeds the estimated maximal expected allele frequency for disease-causing variants in PMS2. c.475G>A has been observed in individuals affected with various tumor phenotypes (Lu 2015, Chubb 2015, ALcay_2021, Stuttgen_2019, Boujemaa_2024, Wang_2019). These reports do not provide unequivocal conclusions about association of the variant with Hereditary Nonpolyposis Colorectal Cancer. To our knowledge, no experimental evidence demonstrating an impact on protein function has been reported. The following publications have been ascertained in the context of this evaluation (PMID: 32658311, 38313678, 25559809, 28466842, 26689913, 31465090, 30723297). ClinVar contains an entry for this variant (Variation ID: 127791). Based on the evidence outlined above, the variant was classified as likely benign.

Quest Diagnostics Nichols Institute San Juan Capistrano
Classification: Uncertain significance. Last evaluated: 2025-09-02. Review status: criteria provided, single submitter. Criteria: Quest Diagnostics criteria. Collection method: clinical testing. Allele origin: unknown.
Comment: The PMS2 c..475G>A (p.Val159Met) variant has been reported in individuals affected with colorectal cancer (PMIDs: 28466842 (2017), 25559809 (2015)), stomach adenocarcinoma (PMIDs: 26689913 (2015)), and breast cancer (PMIDs: 26689913 (2015), 32658311 (2021), 31465090 (2019), 33471991 (2021), see also LOVD, 38313678 (2024)). This variant has also been identified in reportedly unaffected individuals (PMID: 33471991 (2021), see also LOVD). The frequency of this variant in the general population (Genome Aggregation Database) is uninformative in the assessment of its pathogenicity. Analysis of this variant using bioinformatics tools for the prediction of the effect of amino acid changes on protein structure and function yielded conflicting predictions that this variant is benign or damaging. Based on the available information, we are unable to determine the clinical significance of this variant.

CeGaT Center for Human Genetics Tuebingen
Classification: Uncertain significance. Last evaluated: 2025-09-01. Review status: criteria provided, single submitter. Criteria: CeGaT Center For Human Genetics Tuebingen Variant Classification Criteria Version 2. Collection method: clinical testing. Allele origin: germline. Affected: yes. Observed: 2 variant alleles.

Spanish MMR Variant Interpretation Working Group
Classification: Uncertain significance for Hereditary cancer-predisposing syndrome. Last evaluated: 2025-05-05. Review status: criteria provided, single submitter. Criteria: ClinGen CRC ACMG Specifications PMS2 V1.0.0. Collection method: clinical testing. Allele origin: germline. Affected: yes.
Comment: The PMS2 variant c.475G>A replaces valine with methionine at codon 159 of the PMS2 protein, p.(Val159Met). The valine residue is weakly conserved, and there is a small physicochemical difference between valine and methionine. It has an allele frequency of 0.0066% in the gnomAD v4.1.0 database, with a maximal credible allele frequency of 0.0079% (no criterion is met). The SpliceAI algorithm predicts no significant impact on splicing. It is a missense variant with a MAPP+PolyPhen-2 prior probability of pathogenicity within the range of 0.11-0.68 (no criterion is met). There are no other described missense variants classified as Class 4/5 by InSiGHT located at the same residue. No functional assays have been reported for this variant. This variant has been reported in individuals affected by CRC (PMIDs: 25559809, 28466842), metastatic breast cancer (PMID: 31465090), glioblastoma multiforme (PMID: 26689913), and other cancer types (PMIDs: 29684080, 28873162). Based on the available evidence, this variant is classified as Variant of Uncertain Significance (Class 3).

Molecular Pathology, Peter Maccallum Cancer Centre
Classification: Uncertain significance for Lynch syndrome 4. Last evaluated: 2025-04-17. Review status: criteria provided, single submitter. Criteria: ACMG Guidelines, 2015. Collection method: clinical testing. Allele origin: germline. Inheritance: Autosomal dominant inheritance.

Color Diagnostics, LLC DBA Color Health
Classification: Uncertain significance for Hereditary cancer-predisposing syndrome. Last evaluated: 2025-03-17. Review status: criteria provided, single submitter. Criteria: ACMG Guidelines, 2015. Collection method: clinical testing. Allele origin: germline.
Comment: This missense variant replaces valine with methionine at codon 159 of the PMS2 protein. Computational prediction suggests that this variant may not impact protein structure and function. To our knowledge, functional studies have not been reported for this variant. This variant has been observed in individuals affected with colorectal cancer (PMID: 25559809), stomach adenocarcinoma (PMID: 26689913), and breast cancer (PMID: 26689913, 29684080, 31465090, 32658311, 33471991, 38313678). The variant has also been observed in unaffected individuals (PMID: 33471991). This variant has been identified in 17/245638 chromosomes in the general population by the Genome Aggregation Database (gnomAD). The available evidence is insufficient to determine the role of this variant in disease conclusively. Therefore, this variant is classified as a Variant of Uncertain Significance.

Center for Genomic Medicine, Rigshospitalet, Copenhagen University Hospital
Classification: Uncertain significance. Last evaluated: 2025-03-04. Review status: criteria provided, single submitter. Criteria: ACMG Guidelines, 2015. Collection method: clinical testing. Allele origin: germline.

Myriad Genetics, Inc.
Classification: Likely benign for Lynch syndrome 4. Last evaluated: 2025-01-27. Review status: criteria provided, single submitter. Criteria: Myriad Autosomal Dominant, Autosomal Recessive and X-Linked Classification Criteria (2023). Collection method: clinical testing. Allele origin: unknown.
Comment: This variant is considered likely benign. This variant has been observed in trans with a known pathogenic variant in one or more individuals lacking clinical features consistent with gene-specific recessive disease.